The following is an entry in ClinVar:

NM_014855.3(AP5Z1):c.1794C>T (p.Ala598=)

Gene: AP5Z1 (adaptor related protein complex 5 subunit zeta 1; plus strand). Cytogenetic location: 7p22.1.
Variant type: single nucleotide variant.
Coding change: c.1794C>T on transcript NM_014855.3 (MANE Select); coding-DNA position 1794, C replaced by T.
Protein change: p.Ala598=; no amino-acid change (alanine 598 retained).
Molecular consequence: synonymous variant. On other transcripts: non-coding transcript variant (1).
Genome position (GRCh38, 1-based): chr7:4,789,918, C>T. VCF-style: chr7-4789918-C-T. GRCh37 (hg19) VCF-style: chr7-4829549-C-T.
Other names: c.1326C>T, p.Ala442= (NM_001364858.1); c.1794C>T, p.Ala598= (LRG_1247t1).
Identifiers: ClinVar variation 360337 (VCV000360337.24), dbSNP rs374673921, ClinGen allele CA4138027.

ClinVar aggregate classification (germline): Conflicting classifications of pathogenicity. Review status: criteria provided, conflicting classifications (1 of 4 stars). 5 submissions from 5 submitters: Uncertain significance (1); Benign (1); Likely benign (2). 1 of the submissions does not count toward it. Last evaluated 2025-12-01.

Conditions:
Hereditary spastic paraplegia 48. Also called: Spastic paraplegia 48; SPASTIC PARAPLEGIA 48, AUTOSOMAL RECESSIVE. Identifiers: Orphanet 306511, MedGen C3150901, MONDO:0013342, OMIM 613647.
AP5Z1-related disorder. Also called: AP5Z1-related condition.

Allele frequency attached by ClinVar (database versions not stated): TOPMed 0.00038; ESP Exome Variant Server 0.00042; 1000 Genomes Project 0.00060; 1000 Genomes Project 30x 0.00062.
gnomAD v4.1: 834 of 1,545,798 alleles (0.054%); highest among the groups gnomAD compares: Non-Finnish European, 0.065%; no homozygotes.

Submissions (5):

CeGaT Center for Human Genetics Tuebingen
Classification: Likely benign. Last evaluated: 2025-12-01. Review status: criteria provided, single submitter. Criteria: CeGaT Center For Human Genetics Tuebingen Variant Classification Criteria Version 2. Collection method: clinical testing. Allele origin: germline. Affected: yes. Observed: 1 variant allele.
Comment: AP5Z1: BP4, BP7

Labcorp Genetics (formerly Invitae), Labcorp
Classification: Likely benign for Hereditary spastic paraplegia 48. Last evaluated: 2025-01-08. Review status: criteria provided, single submitter. Criteria: Invitae Variant Classification Sherloc (09022015). Collection method: clinical testing. Allele origin: germline.

Athena Diagnostics
Classification: Benign. Last evaluated: 2020-02-20. Review status: criteria provided, single submitter. Criteria: Athena Diagnostics Criteria. Collection method: clinical testing. Allele origin: unknown.

Illumina Laboratory Services, Illumina
Classification: Uncertain significance for Hereditary spastic paraplegia 48. Last evaluated: 2018-01-13. Review status: criteria provided, single submitter. Criteria: ICSL Variant Classification Criteria 13 December 2019. Collection method: clinical testing. Allele origin: germline.

PreventionGenetics, part of Exact Sciences
Classification: Likely benign for AP5Z1-related condition. Last evaluated: 2019-11-19. Review status: no assertion criteria provided. Collection method: clinical testing. Allele origin: germline. Not counted in ClinVar's aggregate classification.
Comment: This variant is classified as likely benign based on ACMG/AMP sequence variant interpretation guidelines (Richards et al. 2015 PMID: 25741868, with internal and published modifications).